The following is an entry in ClinVar:

ClinVar aggregate classification (germline): Uncertain significance (1 of 4 stars; one submission).

Conditions:
Neuronal ceroid lipofuscinosis. Also called: Neuronal Ceroid Lipofuscinoses. Identifiers: Orphanet 216, Orphanet 79263, MedGen C0027877, MONDO:0016295. Disease mechanism: loss of function.

Allele frequency attached by ClinVar (database versions not stated): gnomAD exomes below 0.00001 and 0.00001; gnomAD 0.00003; TOPMed 0.00003.
gnomAD v4.1: 9 of 1,613,948 alleles (0.00056%); highest among the groups gnomAD compares: African/African-American, 0.012%; no homozygotes.

Submission:

Labcorp Genetics (formerly Invitae), Labcorp
Classification: Uncertain significance for Neuronal ceroid lipofuscinosis. Last evaluated: 2022-10-13. Review status: criteria provided, single submitter. Criteria: Invitae Variant Classification Sherloc (09022015). Collection method: clinical testing. Allele origin: germline.
Comment: This sequence change replaces serine, which is neutral and polar, with tyrosine, which is neutral and polar, at codon 46 of the CLN8 protein (p.Ser46Tyr). This variant is present in population databases (no rsID available, gnomAD 0.01%). This variant has not been reported in the literature in individuals affected with CLN8-related conditions. ClinVar contains an entry for this variant (Variation ID: 1423780). Advanced modeling of protein sequence and biophysical properties (such as structural, functional, and spatial information, amino acid conservation, physicochemical variation, residue mobility, and thermodynamic stability) has been performed at Invitae for this missense variant, however the output from this modeling did not meet the statistical confidence thresholds required to predict the impact of this variant on CLN8 protein function. In summary, the available evidence is currently insufficient to determine the role of this variant in disease. Therefore, it has been classified as a Variant of Uncertain Significance.

NM_018941.4(CLN8):c.137C>A (p.Ser46Tyr)

Gene: CLN8 (CLN8 transmembrane ER and ERGIC protein; plus strand). Cytogenetic location: 8p23.3.
Variant type: single nucleotide variant.
Coding change: c.137C>A on transcript NM_018941.4 (MANE Select); coding-DNA position 137, C replaced by A.
Protein change: p.Ser46Tyr; replaces serine 46 with tyrosine.
Molecular consequence: missense variant.
Genome position (GRCh38, 1-based): chr8:1,771,191, C>A. VCF-style: chr8-1771191-C-A. GRCh37 (hg19) VCF-style: chr8-1719357-C-A.
Other names: short protein forms S46Y.
Identifiers: ClinVar variation 1423780 (VCV001423780.5), dbSNP rs1418349889, ClinGen allele CA369952947.